The following is an entry in ClinVar:

ClinVar aggregate classification (germline): Uncertain significance (1 of 4 stars; one submission).

Submission:

GeneDx
Classification: Uncertain significance. Last evaluated: 2022-12-13. Review status: criteria provided, single submitter. Criteria: GeneDx Variant Classification Process June 2021. Collection method: clinical testing. Allele origin: germline. Affected: yes.
Comment: Not observed at significant frequency in large population cohorts (gnomAD); In silico analysis supports that this missense variant has a deleterious effect on protein structure/function; Has not been previously published as pathogenic or benign to our knowledge

NM_002637.4(PHKA1):c.533C>G (p.Thr178Ser)

Gene: PHKA1 (phosphorylase kinase regulatory subunit alpha 1; minus strand). Cytogenetic location: Xq13.1.
Variant type: single nucleotide variant.
Coding change: c.533C>G on transcript NM_002637.4 (MANE Select); coding-DNA position 533, C replaced by G.
Protein change: p.Thr178Ser; replaces threonine 178 with serine.
Molecular consequence: missense variant.
Genome position (GRCh38, 1-based): chrX:72,684,502, G>C on the plus strand (C>G on the coding strand, the complement: PHKA1 is on the minus strand). VCF-style: chrX-72684502-G-C. GRCh37 (hg19) VCF-style: chrX-71904352-G-C.
Other names: c.533C>G, p.Thr178Ser (NM_001122670.2, NM_001172436.2); short protein forms T178S.
Identifiers: ClinVar variation 2505836 (VCV002505836.1), dbSNP rs2522759585, ClinGen allele CA413638604.